The following is an entry in ClinVar:

ClinVar aggregate classification (germline): Likely benign. Review status: criteria provided, multiple submitters, no conflicts (2 of 4 stars). 3 submissions from 3 submitters: Likely benign (3). Last evaluated 2025-09-08.

Conditions:
SOS2-related disorder. Also called: SOS2-related condition.
Noonan syndrome 9 (NS9). Identifiers: Orphanet 648, MedGen C4225282, MONDO:0014691, OMIM 616559.
Cardiovascular phenotype. Identifiers: MedGen CN230736.

Submissions (3):

PreventionGenetics, part of Exact Sciences
Classification: Likely benign for SOS2-related condition. Last evaluated: 2025-09-08. Review status: criteria provided, single submitter. Criteria: ACMG Guidelines, 2015. Collection method: clinical testing. Allele origin: germline.
Comment: This variant is classified as likely benign based on ACMG/AMP sequence variant interpretation guidelines (Richards et al. 2015 PMID: 25741868, with internal and published modifications).

Ambry Genetics
Classification: Likely benign for Cardiovascular phenotype. Last evaluated: 2025-04-30. Review status: criteria provided, single submitter. Criteria: Ambry Variant Classification Scheme 2023. Collection method: clinical testing. Allele origin: germline.

Labcorp Genetics (formerly Invitae), Labcorp
Classification: Likely benign for Noonan syndrome 9. Last evaluated: 2023-04-23. Review status: criteria provided, single submitter. Criteria: Invitae Variant Classification Sherloc (09022015). Collection method: clinical testing. Allele origin: germline.

NM_006939.4(SOS2):c.3327C>T (p.Asn1109=)

Gene: SOS2 (SOS Ras/Rho guanine nucleotide exchange factor 2; minus strand). Cytogenetic location: 14q21.3.
Variant type: single nucleotide variant.
Coding change: c.3327C>T on transcript NM_006939.4 (MANE Select); coding-DNA position 3327, C replaced by T.
Protein change: p.Asn1109=; no amino-acid change (asparagine 1109 retained).
Molecular consequence: synonymous variant.
Genome position (GRCh38, 1-based): chr14:50,130,511, G>A on the plus strand (C>T on the coding strand, the complement: SOS2 is on the minus strand). VCF-style: chr14-50130511-G-A. GRCh37 (hg19) VCF-style: chr14-50597229-G-A.
Other names: c.3327C>T (NM_006939.3, NM_006939.2); c.3228C>T, p.Asn1076= (NM_001411020.1).
Identifiers: ClinVar variation 2889962 (VCV002889962.5), dbSNP rs2502824500, ClinGen allele CA486173052.